The following is an entry in ClinVar:

ClinVar aggregate classification (germline): Uncertain significance (1 of 4 stars; one submission).

Conditions:
Inborn genetic diseases. Identifiers: MedGen C0950123, MeSH D030342.

Submission:

Ambry Genetics
Classification: Uncertain significance for Inborn genetic diseases. Last evaluated: 2025-10-11. Review status: criteria provided, single submitter. Criteria: Ambry Variant Classification Scheme 2023. Collection method: clinical testing. Allele origin: germline.
Comment: The p.D750Y variant (also known as c.2248G>T), located in coding exon 8 of the MECOM gene, results from a G to T substitution at nucleotide position 2248. The aspartic acid at codon 750 is replaced by tyrosine, an amino acid with highly dissimilar properties. This amino acid position is conserved. In addition, this alteration is predicted to be tolerated by in silico analysis. Based on the available evidence, the clinical significance of this variant remains unclear.

NM_004991.4(MECOM):c.2248G>T (p.Asp750Tyr)

Gene: MECOM (MDS1 and EVI1 complex locus; minus strand). Cytogenetic location: 3q26.2.
Variant type: single nucleotide variant.
Coding change: c.2248G>T on transcript NM_004991.4 (MANE Select); coding-DNA position 2248, G replaced by T.
Protein change: p.Asp750Tyr; replaces aspartic acid 750 with tyrosine.
Molecular consequence: missense variant.
Genome position (GRCh38, 1-based): chr3:169,115,624, C>A on the plus strand (G>T on the coding strand, the complement: MECOM is on the minus strand). VCF-style: chr3-169115624-C-A. GRCh37 (hg19) VCF-style: chr3-168833412-C-A.
Other names: c.1879G>T, p.Asp627Tyr (NM_001105077.4); c.1684G>T, p.Asp562Tyr (NM_001105078.4, NM_001164000.2, NM_001205194.2 and 4 more transcripts); c.1687G>T, p.Asp563Tyr (NM_001163999.2, NM_001366467.2, NM_001366468.2 and 1 more transcripts); c.2248G>T, p.Asp750Tyr (NM_001366466.2); c.1276G>T, p.Asp426Tyr (NM_001366473.2); c.712G>T, p.Asp238Tyr (NM_001366474.2); short protein forms D562Y, D563Y, D750Y, D238Y, D426Y, D627Y.
Identifiers: ClinVar variation 4624640 (VCV004624640.1).